The following is an entry in ClinVar:

GRCh38/hg38 4q28.2(chr4:128856871-128983901)x3

Genes: JADE1 (jade family PHD finger 1; plus strand), SCLT1 (sodium channel and clathrin linker 1; minus strand), LOC129993079 (ATAC-STARR-seq lymphoblastoid active region 21899; plus strand), LOC129993080 (ATAC-STARR-seq lymphoblastoid active region 21900; plus strand), LOC129993081 (ATAC-STARR-seq lymphoblastoid active region 21901; plus strand). Cytogenetic location: 4q28.2.
Variant type: copy number gain.
Change: copy number 3 (three copies instead of two) of chr4:128,856,871-128,983,901 (127.0 kb, GRCh38 coordinates, 1-based), cytogenetic band 4q28.2.
Identifiers: ClinVar variation 144870 (VCV000144870.1).

ClinVar aggregate classification (germline): Benign/Likely benign (0 of 4 stars; one submission).

Submission:

GeneDx
Classification: Benign/Likely benign. Last evaluated: 2010-11-30. Review status: no assertion criteria provided. Collection method: clinical testing. Allele origin: not provided. Affected: yes. Observed: 2 variant alleles.
Comment: Likely benign (1), Benign (1)